The following is an entry in ClinVar:

ClinVar aggregate classification (germline): Uncertain significance. Review status: criteria provided, multiple submitters, no conflicts (2 of 4 stars). 2 submissions from 2 submitters: Uncertain significance (2). Last evaluated 2025-09-03.

Conditions:
Inborn genetic diseases. Identifiers: MedGen C0950123, MeSH D030342.

gnomAD v4.1: 3 of 1,614,050 alleles (0.00019%); highest among the groups gnomAD compares: Non-Finnish European, 0.00017%; no homozygotes.

Submissions (2):

Labcorp Genetics (formerly Invitae), Labcorp
Classification: Uncertain significance. Last evaluated: 2025-09-03. Review status: criteria provided, single submitter. Criteria: Invitae Variant Classification Sherloc (09022015). Collection method: clinical testing. Allele origin: germline.
Comment: This sequence change replaces threonine, which is neutral and polar, with methionine, which is neutral and non-polar, at codon 229 of the MECOM protein (p.Thr229Met). This variant is not present in population databases (gnomAD no frequency). This variant has not been reported in the literature in individuals affected with MECOM-related conditions. ClinVar contains an entry for this variant (Variation ID: 3682276). An algorithm developed to predict the effect of missense changes on protein structure and function (PolyPhen-2) suggests that this variant is likely to be disruptive. In summary, the available evidence is currently insufficient to determine the role of this variant in disease. Therefore, it has been classified as a Variant of Uncertain Significance.

Ambry Genetics
Classification: Uncertain significance for Inborn genetic diseases. Last evaluated: 2024-12-31. Review status: criteria provided, single submitter. Criteria: Ambry Variant Classification Scheme 2023. Collection method: clinical testing. Allele origin: germline.
Comment: The p.T417M variant (also known as c.1250C>T), located in coding exon 8 of the MECOM gene, results from a C to T substitution at nucleotide position 1250. The threonine at codon 417 is replaced by methionine, an amino acid with similar properties. This amino acid position is conserved. In addition, this alteration is predicted to be tolerated by in silico analysis. Based on the available evidence, the clinical significance of this variant remains unclear.

NM_004991.4(MECOM):c.1250C>T (p.Thr417Met)

Gene: MECOM (MDS1 and EVI1 complex locus; minus strand). Cytogenetic location: 3q26.2.
Variant type: single nucleotide variant.
Coding change: c.1250C>T on transcript NM_004991.4 (MANE Select); coding-DNA position 1250, C replaced by T.
Protein change: p.Thr417Met; replaces threonine 417 with methionine.
Molecular consequence: missense variant. On other transcripts: intron variant (2).
Genome position (GRCh38, 1-based): chr3:169,116,622, G>A on the plus strand (C>T on the coding strand, the complement: MECOM is on the minus strand). VCF-style: chr3-169116622-G-A. GRCh37 (hg19) VCF-style: chr3-168834410-G-A.
Other names: c.1250C>T (NM_004991.3); c.881C>T, p.Thr294Met (NM_001105077.4); c.686C>T, p.Thr229Met (NM_001105078.4, NM_001164000.2, NM_001205194.2 and 4 more transcripts); c.689C>T, p.Thr230Met (NM_001163999.2, NM_001366467.2, NM_001366468.2 and 1 more transcripts); c.1250C>T, p.Thr417Met (NM_001366466.2); c.1133-855C>T (NM_001366473.2); c.569-855C>T (NM_001366474.2); short protein forms T230M, T229M, T417M, T294M.
Identifiers: ClinVar variation 3682276 (VCV003682276.3).